The following is an entry in ClinVar:

ClinVar aggregate classification (germline): Benign/Likely benign. Review status: criteria provided, multiple submitters, no conflicts (2 of 4 stars). 11 submissions from 9 submitters: Benign (7); Likely benign (2). 2 of the submissions do not count toward it. Last evaluated 2026-02-01.

Conditions:
Autosomal recessive inherited pseudoxanthoma elasticum (PXE). Identifiers: Orphanet 758, MedGen CN032334, MONDO:0009925, OMIM 264800.
Pseudoxanthoma elasticum, forme fruste. Also called: Pseudoxanthoma Elasticum, Incomplete; PSEUDOXANTHOMA ELASTICUM, HETEROZYGOUS. Identifiers: Orphanet 758, MedGen C1867450, MONDO:0008333, OMIM 177850.
Arterial calcification, generalized, of infancy, 2. Identifiers: Orphanet 51608, MedGen C3276161, MONDO:0013768, OMIM 614473.

Allele frequency attached by ClinVar (database versions not stated): gnomAD exomes 0.00182; ExAC 0.00232; gnomAD 0.00729 and 0.00774; TOPMed 0.00798; ESP Exome Variant Server 0.00831; 1000 Genomes Project 30x 0.00937; 1000 Genomes Project 0.00958.
gnomAD v4.1: 2,089 of 1,614,068 alleles (0.13%); highest among the groups gnomAD compares: African/African-American, 2.5%; 31 homozygotes.

Submissions (11):

Labcorp Genetics (formerly Invitae), Labcorp
Classification: Benign. Last evaluated: 2026-02-01. Review status: criteria provided, single submitter. Criteria: Invitae Variant Classification Sherloc (09022015). Collection method: clinical testing. Allele origin: germline.

Mayo Clinic Laboratories, Mayo Clinic
Classification: Benign. Last evaluated: 2024-12-13. Review status: criteria provided, single submitter. Criteria: ACMG Guidelines, 2015. Collection method: clinical testing. Allele origin: germline. Observed: 2 variant alleles.
Comment: BS1, BS2, BP4_moderate

Blueprint Genetics
Classification: Likely benign. Last evaluated: 2024-11-27. Review status: criteria provided, single submitter. Criteria: ACMG Guidelines, 2015. Collection method: clinical testing. Allele origin: germline.

Genome-Nilou Lab
Classification: Benign for Arterial calcification, generalized, of infancy, 2. Last evaluated: 2021-12-05. Review status: criteria provided, single submitter. Criteria: ACMG Guidelines, 2015. Collection method: clinical testing. Allele origin: germline. Affected: no.

Genome-Nilou Lab
Classification: Benign for Autosomal recessive inherited pseudoxanthoma elasticum. Last evaluated: 2021-12-05. Review status: criteria provided, single submitter. Criteria: ACMG Guidelines, 2015. Collection method: clinical testing. Allele origin: germline. Affected: no.

Genome-Nilou Lab
Classification: Benign for Pseudoxanthoma elasticum, forme fruste. Last evaluated: 2021-12-05. Review status: criteria provided, single submitter. Criteria: ACMG Guidelines, 2015. Collection method: clinical testing. Allele origin: germline. Affected: no.

Fulgent Genetics
Classification: Likely benign for Pseudoxanthoma elasticum, forme fruste; Autosomal recessive inherited pseudoxanthoma elasticum; Arterial calcification, generalized, of infancy, 2. Last evaluated: 2021-07-23. Review status: criteria provided, single submitter. Criteria: ACMG Guidelines, 2015. Collection method: clinical testing. Allele origin: unknown.

GeneDx
Classification: Benign. Last evaluated: 2020-06-22. Review status: criteria provided, single submitter. Criteria: GeneDx Variant Classification Process June 2021. Collection method: clinical testing. Allele origin: germline. Affected: yes.

Breakthrough Genomics
Classification: Benign. Review status: criteria provided, single submitter. Criteria: ACMG Guidelines, 2015. Collection method: not provided. Allele origin: germline. Inheritance: Autosomal recessive inheritance. Affected: yes.

Clinical Genetics DNA and cytogenetics Diagnostics Lab, Erasmus MC, Erasmus Medical Center
Classification: Benign. Review status: no assertion criteria provided. Collection method: clinical testing. Allele origin: germline. Affected: yes. Study: VKGL Data-share Consensus. Not counted in ClinVar's aggregate classification.

Clinical Genetics, Academic Medical Center
Classification: Benign. Review status: no assertion criteria provided. Collection method: clinical testing. Allele origin: germline. Affected: yes. Study: VKGL Data-share Consensus. Not counted in ClinVar's aggregate classification.

NM_001171.6(ABCC6):c.2707G>C (p.Glu903Gln)

Gene: ABCC6 (ATP binding cassette subfamily C member 6; minus strand). Cytogenetic location: 16p13.11.
Variant type: single nucleotide variant.
Coding change: c.2707G>C on transcript NM_001171.6 (MANE Select); coding-DNA position 2707, G replaced by C.
Protein change: p.Glu903Gln; replaces glutamic acid 903 with glutamine.
Molecular consequence: missense variant. On other transcripts: non-coding transcript variant (1).
Genome position (GRCh38, 1-based): chr16:16,173,364, C>G on the plus strand (G>C on the coding strand, the complement: ABCC6 is on the minus strand). VCF-style: chr16-16173364-C-G. GRCh37 (hg19) VCF-style: chr16-16267221-C-G.
Other names: p.Glu903Gln; c.2365G>C, p.Glu789Gln (NM_001351800.1); short protein forms E789Q, E903Q.
Identifiers: ClinVar variation 715676 (VCV000715676.19), dbSNP rs60712230, ClinGen allele CA7925810.